The following is an entry in ClinVar:

ClinVar aggregate classification (germline): Uncertain significance. Review status: criteria provided, multiple submitters, no conflicts (2 of 4 stars). 6 submissions from 5 submitters: Uncertain significance (4). 2 of the submissions do not count toward it. Last evaluated 2025-10-29.

Conditions:
Inborn genetic diseases. Identifiers: MedGen C0950123, MeSH D030342.
Lethal congenital contracture syndrome 1 (LCCS1). Also called: MULTIPLE CONTRACTURE SYNDROME, FINNISH TYPE. Identifiers: Orphanet 1486, MedGen C1854664, MONDO:0009670, OMIM 253310.
Lethal congenital contractural syndrome Finnish type.
Lethal arthrogryposis-anterior horn cell disease syndrome (CAAHD). Also called: CONGENITAL ARTHROGRYPOSIS WITH ANTERIOR HORN CELL DISEASE. Identifiers: Orphanet 53696, MedGen C5193016, MONDO:0012750, OMIM 611890.

Allele frequency attached by ClinVar (database versions not stated): ExAC 0.00009; TOPMed 0.00010; gnomAD 0.00011; ESP Exome Variant Server 0.00023.

Submissions (6):

Ambry Genetics
Classification: Uncertain significance for Inborn genetic diseases. Last evaluated: 2025-10-29. Review status: criteria provided, single submitter. Criteria: Ambry Variant Classification Scheme 2023. Collection method: clinical testing. Allele origin: germline.

GeneDx
Classification: Uncertain significance. Last evaluated: 2021-05-18. Review status: criteria provided, single submitter. Criteria: GeneDx Variant Classification Process June 2021. Collection method: clinical testing. Allele origin: germline. Affected: yes.
Comment: In silico analysis supports that this missense variant does not alter protein structure/function; Has not been previously published as pathogenic or benign to our knowledge

Illumina Laboratory Services, Illumina
Classification: Uncertain significance for Lethal arthrogryposis-anterior horn cell disease syndrome. Last evaluated: 2018-01-13. Review status: criteria provided, single submitter. Criteria: ICSL Variant Classification Criteria 13 December 2019. Collection method: clinical testing. Allele origin: germline.

Illumina Laboratory Services, Illumina
Classification: Uncertain significance for Lethal congenital contracture syndrome 1. Last evaluated: 2018-01-13. Review status: criteria provided, single submitter. Criteria: ICSL Variant Classification Criteria 13 December 2019. Collection method: clinical testing. Allele origin: germline.

Natera, Inc.
Classification: Uncertain significance for Lethal congenital contractural syndrome Finnish type. Last evaluated: 2020-09-21. Review status: no assertion criteria provided. Collection method: clinical testing. Allele origin: germline. Not counted in ClinVar's aggregate classification.

Department of Pathology and Laboratory Medicine, Sinai Health System
Classification: Uncertain significance. Review status: no assertion criteria provided. Collection method: clinical testing. Allele origin: unknown. Affected: yes. Study: The Canadian Open Genetics Repository (COGR). Not counted in ClinVar's aggregate classification.
Comment: The GLE1 p.Met191Ile variant was not identified in the literature nor was it identified in ClinVar or Cosmic. The variant was identified in dbSNP (ID: rs201267934) and in LOVD 3.0. The variant was identified in control databases in 30 of 282856 chromosomes at a frequency of 0.000106 (Genome Aggregation Database Feb 27, 2017). The variant was observed in the following populations: Ashkenazi Jewish in 12 of 10370 chromosomes (freq: 0.001157), Other in 1 of 7228 chromosomes (freq: 0.000138), European (non-Finnish) in 15 of 129180 chromosomes (freq: 0.000116) and European (Finnish) in 2 of 25114 chromosomes (freq: 0.00008); it was not observed in the African, Latino, East Asian, and South Asian populations. The variant occurs outside of the splicing consensus sequence and in silico or computational prediction software programs (SpliceSiteFinder, MaxEntScan, NNSPLICE, and GeneSplicer) do not predict a difference in splicing. The p.Met191 residue is conserved in mammals but not in more distantly related organisms, however four out of five computational analyses (PolyPhen-2, SIFT, AlignGVGD, and BLOSUM) do not suggest a high likelihood of impact to the protein; this information is not predictive enough to rule out pathogenicity. In summary, based on the above information the clinical significance of this variant cannot be determined with certainty at this time. This variant is classified as a variant of uncertain significance.

NM_001003722.2(GLE1):c.573G>C (p.Met191Ile)

Gene: GLE1 (GLE1 RNA export mediator; plus strand). Cytogenetic location: 9q34.11.
Variant type: single nucleotide variant.
Coding change: c.573G>C on transcript NM_001003722.2 (MANE Select); coding-DNA position 573, G replaced by C.
Protein change: p.Met191Ile; replaces methionine 191 with isoleucine.
Molecular consequence: missense variant.
Genome position (GRCh38, 1-based): chr9:128,522,808, G>C. VCF-style: chr9-128522808-G-C. GRCh37 (hg19) VCF-style: chr9-131285087-G-C.
Other names: c.573G>C, p.Met191Ile (NM_001499.2); short protein forms M191I.
Identifiers: ClinVar variation 913957 (VCV000913957.10), dbSNP rs201267934, ClinGen allele CA5263632.